The following is an entry in ClinVar:

NM_001348716.2(KDM6B):c.1889C>T (p.Pro630Leu)

Gene: KDM6B (lysine demethylase 6B; plus strand). Cytogenetic location: 17p13.1.
Variant type: single nucleotide variant.
Coding change: c.1889C>T on transcript NM_001348716.2 (MANE Select); coding-DNA position 1889, C replaced by T.
Protein change: p.Pro630Leu; replaces proline 630 with leucine.
Molecular consequence: missense variant.
Genome position (GRCh38, 1-based): chr17:7,848,177, C>T. VCF-style: chr17-7848177-C-T. GRCh37 (hg19) VCF-style: chr17-7751495-C-T.
Other names: c.1889C>T, p.Pro630Leu (NM_001080424.2); short protein forms P630L.
Identifiers: ClinVar variation 4823674 (VCV004823674.4).

ClinVar aggregate classification (germline): Uncertain significance (1 of 4 stars; one submission).

gnomAD v4.1: 1 of 1,612,620 alleles (0.000062%); highest among the groups gnomAD compares: Non-Finnish European, 0.000085%; no homozygotes.

Submission:

CeGaT Center for Human Genetics Tuebingen
Classification: Uncertain significance. Last evaluated: 2026-03-01. Review status: criteria provided, single submitter. Criteria: CeGaT Center For Human Genetics Tuebingen Variant Classification Criteria Version 2. Collection method: clinical testing. Allele origin: germline. Affected: yes. Observed: 1 variant allele.
Comment: KDM6B: PM2